The following is an entry in ClinVar:

ClinVar aggregate classification (germline): Uncertain significance (1 of 4 stars; one submission).

Conditions:
Spermatogenic failure 18. Identifiers: MedGen C4539783, MONDO:0054615, OMIM 617576.
Ciliary dyskinesia, primary, 37 (CILD37). Also called: CILIARY DYSKINESIA, PRIMARY, 37, WITH OR WITHOUT SITUS INVERSUS. Identifiers: MedGen C4539798, MONDO:0033204, OMIM 617577.

Allele frequency attached by ClinVar (database versions not stated): gnomAD 0.00002; TOPMed 0.00003.

Submission:

Labcorp Genetics (formerly Invitae), Labcorp
Classification: Uncertain significance for Ciliary dyskinesia, primary, 37; Spermatogenic failure 18. Last evaluated: 2017-11-04. Review status: criteria provided, single submitter. Criteria: Invitae Variant Classification Sherloc (09022015). Collection method: clinical testing. Allele origin: germline.
Comment: In summary, the available evidence is currently insufficient to determine the role of this variant in disease. Therefore, it has been classified as a Variant of Uncertain Significance. Algorithms developed to predict the effect of missense changes on protein structure and function do not agree on the potential impact of this missense change (SIFT: "Deleterious"; PolyPhen-2: "Benign"; Align-GVGD: "Class C0"). This variant has not been reported in the literature in individuals with DNAH1-related disease. This variant is not present in population databases (ExAC no frequency). This sequence change replaces leucine with proline at codon 160 of the DNAH1 protein (p.Leu160Pro). The leucine residue is moderately conserved and there is a moderate physicochemical difference between leucine and proline.

NM_015512.5(DNAH1):c.479T>C (p.Leu160Pro)

Gene: DNAH1 (dynein axonemal heavy chain 1; plus strand). Cytogenetic location: 3p21.1.
Variant type: single nucleotide variant.
Coding change: c.479T>C on transcript NM_015512.5 (MANE Select); coding-DNA position 479, T replaced by C.
Protein change: p.Leu160Pro; replaces leucine 160 with proline.
Molecular consequence: missense variant.
Genome position (GRCh38, 1-based): chr3:52,326,212, T>C. VCF-style: chr3-52326212-T-C. GRCh37 (hg19) VCF-style: chr3-52360228-T-C.
Other names: short protein forms L160P.
Identifiers: ClinVar variation 544628 (VCV000544628.6), dbSNP rs1018979330, ClinGen allele CA74753076.